The following is an entry in ClinVar:

ClinVar aggregate classification (germline): Benign/Likely benign. Review status: criteria provided, multiple submitters, no conflicts (2 of 4 stars). 5 submissions from 5 submitters: Benign (2); Likely benign (1). 2 of the submissions do not count toward it. Last evaluated 2025-07-01.

Conditions:
PKD1-related disorder. Also called: PKD1-related condition.
Polycystic kidney disease. Also called: Kidney, Polycystic; Polycystic kidney dysplasia. Identifiers: MedGen C0022680, MeSH D007690, MONDO:0020642, HP:0000113.

Allele frequency attached by ClinVar (database versions not stated): ExAC 0.00030; gnomAD 0.00086 and 0.00092; 1000 Genomes Project 0.00100; TOPMed 0.00100; ESP Exome Variant Server 0.00123; 1000 Genomes Project 30x 0.00141; gnomAD exomes 0.00007 and 0.00026.
gnomAD v4.1: 250 of 1,598,584 alleles (0.016%); highest among the groups gnomAD compares: African/African-American, 0.27%; 1 homozygote.

Submissions (5):

Women's Health and Genetics/Laboratory Corporation of America, LabCorp
Classification: Likely benign. Last evaluated: 2025-07-01. Review status: criteria provided, single submitter. Criteria: LabCorp Variant Classification Summary - May 2015. Collection method: clinical testing. Allele origin: germline.
Comment: Variant summary: PKD1 c.3140C>T (p.Ser1047Leu) results in a non-conservative amino acid change in the encoded protein sequence. Algorithms developed to predict the effect of missense changes on protein structure and function are either unavailable or do not agree on the potential impact of this missense change. The variant allele was found at a frequency of 0.00026 in 238606 control chromosomes, predominantly at a frequency of 0.0033 within the African or African-American subpopulation in the gnomAD database. The observed variant frequency within African or African-American control individuals in the gnomAD database exceeds the estimated maximal expected allele frequency for a pathogenic variant in PKD1 causing PKD1-Biallelic Autosomal Recessive Polycystic Kidney Disease phenotype. To our knowledge, no experimental evidence demonstrating an impact on protein function has been reported. ClinVar contains an entry for this variant (Variation ID: 805158). Based on the evidence outlined above, the variant was classified as likely benign.

Athena Diagnostics
Classification: Benign. Last evaluated: 2019-08-01. Review status: criteria provided, single submitter. Criteria: Athena Diagnostics Criteria. Collection method: clinical testing. Allele origin: germline.

Breakthrough Genomics
Classification: Benign. Review status: criteria provided, single submitter. Criteria: ACMG Guidelines, 2015. Collection method: not provided. Allele origin: germline. Inheritance: Autosomal dominant inheritance. Affected: yes.

PreventionGenetics, part of Exact Sciences
Classification: Likely benign for PKD1-related condition. Last evaluated: 2022-05-27. Review status: no assertion criteria provided. Collection method: clinical testing. Allele origin: germline. Not counted in ClinVar's aggregate classification.
Comment: This variant is classified as likely benign based on ACMG/AMP sequence variant interpretation guidelines (Richards et al. 2015 PMID: 25741868, with internal and published modifications).

Department of Pathology and Laboratory Medicine, Sinai Health System
Classification: Likely benign for Polycystic Kidney disease. Review status: no assertion criteria provided. Collection method: clinical testing. Allele origin: unknown. Affected: yes. Study: The Canadian Open Genetics Repository (COGR). Not counted in ClinVar's aggregate classification.
Comment: The PKD1 p.Ser1047Leu variant was identified in 1 of 164 proband chromosomes (frequency: 0.006) from individuals or families with ADPKD (Garcia-Gonzalez_2007_17574468,). The variant was also identified in dbSNP (ID: rs147910505) as â€šÃ„ÃºNAâ€šÃ„Ã¹ and ADPKD Mutation Database (as likely neutral). The variant was not identified in ClinVar, Clinvitae, GeneInsight-COGR, LOVD 3.0, PKD1-LOVD, databases. The variant was identified in control databases in 85 of 265830 chromosomes at a frequency of 0.00032 increasing the likelihood this could be a low frequency benign variant (Genome Aggregation Database Feb 27, 2017). Breakdown of the observations by population include African in 74 of 23540 chromosomes (freq: 0.003), â€šÃ„ÃºOtherâ€šÃ„Ã¹ in 1 of 6330 chromosomes (freq: 0.00016), Latino in 8 of 34330 chromosomes (freq: 0.00023), European Non-Finnish in 2 of 124630 chromosomes (freq: 0.000016), while the variant was not observed in the Ashkenazi Jewish, East Asian, European Finnish, and South Asian populations. In addition we cannot be certain that data from control databases is specific to PKD1 and not from one of the six PKD1 pseudogenes. This variant was identified in our laboratory as co-occurring with a pathogenic PKD1 variant (c.5047_5051del, p.Phe1683AlafsX86), increasing the likelihood that the p.Ser1047Leu variant does not have clinical significance. The p.Ser1047 residue is conserved in mammals and computational analyses (PolyPhen-2, SIFT, AlignGVGD, BLOSUM, MutationTaster) provide inconsistent predictions regarding the impact to the protein; this information is not very predictive of pathogenicity. The variant occurs outside of the splicing consensus sequence and 1 of 5 in silico or computational prediction software programs (SpliceSiteFinder, MaxEntScan, NNSPLICE, GeneSplicer, HumanSpliceFinder) predict a greater than 10% difference in splicing; this is not very predictive of pathogenicity. In summary, based on the above information the clinical significance of this variant cannot be determined with certainty at this time although we would lean towards a more benign role for this variant. This variant is classified as likely benign.

Literature cited by the submitters: PubMed 17574468 (cited by Athena Diagnostics).

NM_001009944.3(PKD1):c.3140C>T (p.Ser1047Leu)

Gene: PKD1 (polycystin 1, transient receptor potential channel interacting; minus strand). Cytogenetic location: 16p13.3.
Variant type: single nucleotide variant.
Coding change: c.3140C>T on transcript NM_001009944.3 (MANE Select); coding-DNA position 3140, C replaced by T.
Protein change: p.Ser1047Leu; replaces serine 1047 with leucine.
Molecular consequence: missense variant.
Genome position (GRCh38, 1-based): chr16:2,112,809, G>A on the plus strand (C>T on the coding strand, the complement: PKD1 is on the minus strand). VCF-style: chr16-2112809-G-A. GRCh37 (hg19) VCF-style: chr16-2162810-G-A.
Other names: c.3140C>T (NM_001009944.2); c.3140C>T, p.Ser1047Leu (NM_000296.4); short protein forms S1047L.
Identifiers: ClinVar variation 805158 (VCV000805158.7), dbSNP rs147910505, ClinGen allele CA7832937.